The following is an entry in ClinVar:

ClinVar aggregate classification (germline): Uncertain significance (1 of 4 stars; one submission).

Allele frequency attached by ClinVar (database versions not stated): gnomAD exomes below 0.00001.
gnomAD v4.1: 4 of 1,545,686 alleles (0.00026%); highest among the groups gnomAD compares: Non-Finnish European, 0.00035%; no homozygotes.

Submission:

Labcorp Genetics (formerly Invitae), Labcorp
Classification: Uncertain significance. Last evaluated: 2022-04-30. Review status: criteria provided, single submitter. Criteria: Invitae Variant Classification Sherloc (09022015). Collection method: clinical testing. Allele origin: germline.
Comment: This variant has not been reported in the literature in individuals affected with PPP1CB-related conditions. In summary, the available evidence is currently insufficient to determine the role of this variant in disease. Therefore, it has been classified as a Variant of Uncertain Significance. Variants that disrupt the consensus splice site are a relatively common cause of aberrant splicing (PMID: 17576681, 9536098). Algorithms developed to predict the effect of sequence changes on RNA splicing suggest that this variant is not likely to affect RNA splicing. This variant is not present in population databases (gnomAD no frequency). This sequence change falls in intron 2 of the PPP1CB gene. It does not directly change the encoded amino acid sequence of the PPP1CB protein. It affects a nucleotide within the consensus splice site.

Literature cited by the submitters: PubMed 17576681; PubMed 9536098.

NM_002709.3(PPP1CB):c.52+3G>A

Gene: PPP1CB (protein phosphatase 1 catalytic subunit beta; plus strand). Cytogenetic location: 2p23.2.
Variant type: single nucleotide variant.
Coding change: c.52+3G>A on transcript NM_002709.3 (MANE Select); 3 bases into the intron after coding-DNA position 52, G replaced by A.
Molecular consequence: intron variant.
Genome position (GRCh38, 1-based): chr2:28,752,179, G>A. VCF-style: chr2-28752179-G-A. GRCh37 (hg19) VCF-style: chr2-28975045-G-A.
Other names: c.52+3G>A (NM_206876.2).
Identifiers: ClinVar variation 1967609 (VCV001967609.5), dbSNP rs2465671269, ClinGen allele CA2514340246.